The following is an entry in ClinVar:

ClinVar aggregate classification (germline): Uncertain significance (1 of 4 stars; one submission).

Allele frequency attached by ClinVar (database versions not stated): TOPMed below 0.00001; gnomAD 0.00001.
gnomAD v4.1: 1 of 1,571,540 alleles (0.000064%); highest among the groups gnomAD compares: Non-Finnish European, 0.000086%; no homozygotes.

Submission:

Labcorp Genetics (formerly Invitae), Labcorp
Classification: Uncertain significance. Last evaluated: 2022-11-14. Review status: criteria provided, single submitter. Criteria: Invitae Variant Classification Sherloc (09022015). Collection method: clinical testing. Allele origin: germline.
Comment: This sequence change replaces proline, which is neutral and non-polar, with leucine, which is neutral and non-polar, at codon 227 of the KLF1 protein (p.Pro227Leu). This variant is not present in population databases (gnomAD no frequency). This variant has not been reported in the literature in individuals affected with KLF1-related conditions. Advanced modeling of protein sequence and biophysical properties (such as structural, functional, and spatial information, amino acid conservation, physicochemical variation, residue mobility, and thermodynamic stability) performed at Invitae indicates that this missense variant is not expected to disrupt KLF1 protein function. In summary, the available evidence is currently insufficient to determine the role of this variant in disease. Therefore, it has been classified as a Variant of Uncertain Significance.

NM_006563.5(KLF1):c.680C>T (p.Pro227Leu)

Gene: KLF1 (KLF transcription factor 1; minus strand). Cytogenetic location: 19p13.13.
Variant type: single nucleotide variant.
Coding change: c.680C>T on transcript NM_006563.5 (MANE Select); coding-DNA position 680, C replaced by T.
Protein change: p.Pro227Leu; replaces proline 227 with leucine.
Molecular consequence: missense variant.
Genome position (GRCh38, 1-based): chr19:12,885,550, G>A on the plus strand (C>T on the coding strand, the complement: KLF1 is on the minus strand). VCF-style: chr19-12885550-G-A. GRCh37 (hg19) VCF-style: chr19-12996364-G-A.
Other names: short protein forms P227L.
Identifiers: ClinVar variation 2103572 (VCV002103572.4), dbSNP rs1375561925, ClinGen allele CA404308119.